The following is an entry in ClinVar:

ClinVar aggregate classification (germline): Conflicting classifications of pathogenicity. Review status: criteria provided, conflicting classifications (1 of 4 stars). 3 submissions from 3 submitters: Uncertain significance (2); Benign (1). Last evaluated 2025-12-08.

Conditions:
Tuberous sclerosis syndrome (TSC). Also called: Tuberous Sclerosis Complex; Tuberous sclerosis. Identifiers: Orphanet 805, MedGen C0041341, MONDO:0001734.
Tuberous sclerosis 2 (TSC2). Identifiers: Orphanet 805, MedGen C1860707, MONDO:0013199, OMIM 613254.
Hereditary cancer-predisposing syndrome. Also called: Neoplastic Syndromes, Hereditary; Hereditary neoplastic syndrome; Tumor predisposition; Hereditary Cancer Syndrome. Identifiers: Orphanet 140162, MedGen C0027672, MeSH D009386, MONDO:0015356.

gnomAD v4.1: 1 of 1,582,188 alleles (0.000063%); highest among the groups gnomAD compares: Non-Finnish European, 0.000086%; no homozygotes.

Submissions (3):

Labcorp Genetics (formerly Invitae), Labcorp
Classification: Benign for Tuberous sclerosis 2. Last evaluated: 2025-12-08. Review status: criteria provided, single submitter. Criteria: Invitae Variant Classification Sherloc (09022015). Collection method: clinical testing. Allele origin: germline.

Ambry Genetics
Classification: Uncertain significance for Hereditary cancer-predisposing syndrome. Last evaluated: 2024-12-17. Review status: criteria provided, single submitter. Criteria: Ambry Variant Classification Scheme 2023. Collection method: clinical testing. Allele origin: germline.
Comment: The p.L104V variant (also known as c.310C>G), located in coding exon 3 of the TSC2 gene, results from a C to G substitution at nucleotide position 310. The leucine at codon 104 is replaced by valine, an amino acid with highly similar properties. This amino acid position is highly conserved in available vertebrate species. In addition, this alteration is predicted to be deleterious by in silico analysis. Since supporting evidence is limited at this time, the clinical significance of this alteration remains unclear.

All of Us Research Program, National Institutes of Health
Classification: Uncertain significance for Tuberous sclerosis syndrome. Last evaluated: 2024-06-09. Review status: criteria provided, single submitter. Criteria: ACMG Guidelines, 2015. Collection method: clinical testing. Allele origin: germline. Inheritance: Autosomal dominant inheritance. Observed: 1 variant allele, 1 heterozygote.
Comment: This missense variant replaces leucine with valine at codon 104 of the TSC2 protein. Computational prediction suggests that this variant may have deleterious impact on protein structure and function (internally defined REVEL score threshold >= 0.7, PMID: 27666373). To our knowledge, functional studies have not been reported for this variant. This variant has not been reported in individuals affected with TSC2-related disorders in the literature. This variant has not been identified in the general population by the Genome Aggregation Database (gnomAD). The available evidence is insufficient to determine the role of this variant in disease conclusively. Therefore, this variant is classified as a Variant of Uncertain Significance.

This study involves interpretation of variants in research participants for the purpose of population health screening. Participant phenotype was not available at the time of variant classification. Additional details can be found in publication PMID: 35346344, PMCID: PMC8962531

NM_000548.5(TSC2):c.310C>G (p.Leu104Val)

Gene: TSC2 (TSC complex subunit 2; plus strand). Cytogenetic location: 16p13.3.
Variant type: single nucleotide variant.
Coding change: c.310C>G on transcript NM_000548.5 (MANE Select); coding-DNA position 310, C replaced by G.
Protein change: p.Leu104Val; replaces leucine 104 with valine.
Molecular consequence: missense variant. On other transcripts: intron variant (2).
Genome position (GRCh38, 1-based): chr16:2,053,426, C>G. VCF-style: chr16-2053426-C-G. GRCh37 (hg19) VCF-style: chr16-2103427-C-G.
Other names: c.310C>G, p.Leu104Val (NM_001077183.3, NM_001114382.3, NM_001363528.2 and 3 more transcripts); c.163C>G, p.Leu55Val (NM_001318829.2); c.343C>G, p.Leu115Val (NM_001318832.2); c.226-870C>G (NM_001318827.2); c.-1-2770C>G (NM_001318831.2); short protein forms L115V, L104V, L55V.
Identifiers: ClinVar variation 662673 (VCV000662673.15), dbSNP rs1596259554, ClinGen allele CA394305913.